The following is an entry in ClinVar:

ClinVar aggregate classification (germline): Uncertain significance (1 of 4 stars; one submission).

Conditions:
Neuropathy, hereditary motor and sensory, type 6B (HMSN6B). Also called: HMSN VIB; CHARCOT-MARIE-TOOTH DISEASE, TYPE 6B; NEUROPATHY, HEREDITARY MOTOR AND SENSORY, TYPE VIB, WITH OPTIC ATROPHY; Neuropathy, hereditary motor and sensory, type VIB. Identifiers: MedGen C4225302, MONDO:0014671, OMIM 616505.

Submission:

Labcorp Genetics (formerly Invitae), Labcorp
Classification: Uncertain significance for Neuropathy, hereditary motor and sensory, type 6B. Last evaluated: 2019-02-19. Review status: criteria provided, single submitter. Criteria: Invitae Variant Classification Sherloc (09022015). Collection method: clinical testing. Allele origin: germline.
Comment: This sequence change replaces aspartic acid with valine at codon 20 of the SLC25A46 protein (p.Asp20Val). The aspartic acid residue is moderately conserved and there is a large physicochemical difference between aspartic acid and valine. In summary, the available evidence is currently insufficient to determine the role of this variant in disease. Therefore, it has been classified as a Variant of Uncertain Significance. Algorithms developed to predict the effect of missense changes on protein structure and function are either unavailable or do not agree on the potential impact of this missense change (SIFT: "Deleterious"; PolyPhen-2: "Benign"; Align-GVGD: "Class C0"). This variant has not been reported in the literature in individuals with SLC25A46-related conditions. This variant is not present in population databases (ExAC no frequency).

NM_138773.4(SLC25A46):c.59A>T (p.Asp20Val)

Gene: SLC25A46 (solute carrier family 25 member 46; plus strand). Cytogenetic location: 5q22.1.
Variant type: single nucleotide variant.
Coding change: c.59A>T on transcript NM_138773.4 (MANE Select); coding-DNA position 59, A replaced by T.
Protein change: p.Asp20Val; replaces aspartic acid 20 with valine.
Molecular consequence: missense variant. On other transcripts: non-coding transcript variant (1), intron variant (1).
Genome position (GRCh38, 1-based): chr5:110,739,178, A>T. VCF-style: chr5-110739178-A-T. GRCh37 (hg19) VCF-style: chr5-110074879-A-T.
Other names: c.59A>T, p.Asp20Val (NM_001303249.3); c.10+931A>T (NM_001303250.3); short protein forms D20V.
Identifiers: ClinVar variation 862786 (VCV000862786.10), dbSNP rs1799533031, ClinGen allele CA360693056.